The following is an entry in ClinVar:

NM_001267550.2(TTN):c.23507T>A (p.Ile7836Asn)

Gene: TTN (titin; minus strand). Cytogenetic location: 2q31.2.
Variant type: single nucleotide variant.
Coding change: c.23507T>A on transcript NM_001267550.2 (MANE Select); coding-DNA position 23507, T replaced by A.
Protein change: p.Ile7836Asn; replaces isoleucine 7836 with asparagine.
Molecular consequence: missense variant. On other transcripts: intron variant (3).
Genome position (GRCh38, 1-based): chr2:178,720,135, A>T on the plus strand (T>A on the coding strand, the complement: TTN is on the minus strand). VCF-style: chr2-178720135-A-T. GRCh37 (hg19) VCF-style: chr2-179584862-A-T.
Other names: c.22556T>A, p.Ile7519Asn (NM_001256850.1); c.19775T>A, p.Ile6592Asn (NM_133378.4); c.13282+17947T>A (NM_003319.4); c.13858+17947T>A (NM_133437.4); c.13657+17947T>A (NM_133432.3); short protein forms I6592N, I7519N, I7836N.
Identifiers: ClinVar variation 5019935 (VCV005019935.2).

ClinVar aggregate classification (germline): Uncertain significance (1 of 4 stars; one submission).

Conditions:
Early-onset myopathy with fatal cardiomyopathy (CMYO5). Also called: Salih Myopathy; CONGENITAL MYOPATHY 5 WITH CARDIOMYOPATHY. Identifiers: Orphanet 289377, MedGen C2673677, MONDO:0012714, OMIM 611705. Disease mechanism: loss of function.
Hypertrophic cardiomyopathy 9. Also called: Familial hypertrophic cardiomyopathy 9. Identifiers: MedGen C1861065, MONDO:0013412, OMIM 613765.
Autosomal recessive limb-girdle muscular dystrophy type 2J (LGMDR10). Also called: Limb-girdle muscular dystrophy, type 2J; MUSCULAR DYSTROPHY, LIMB-GIRDLE, AUTOSOMAL RECESSIVE 10. Identifiers: Orphanet 140922, MedGen C1837342, MONDO:0012127, OMIM 608807.
Dilated cardiomyopathy 1G (CMD1G). Identifiers: Orphanet 154, MedGen C1858763, MONDO:0011400, OMIM 604145.
Tibial muscular dystrophy (TMD). Also called: UDD MYOPATHY; Udd Distal Myopathy – Tibial Muscular Dystrophy; Tibial muscular dystrophy, tardive. Identifiers: Orphanet 609, MedGen C1838244, MONDO:0010870, OMIM 600334.
Myopathy, myofibrillar, 9, with early respiratory failure (MFM9). Also called: MYOPATHY, PROXIMAL, WITH EARLY RESPIRATORY MUSCLE INVOLVEMENT; EDSTROM MYOPATHY; Hereditary myopathy with early respiratory failure; Myopathy, distal, with early respiratory failure, autosomal dominant. Identifiers: Orphanet 178464, Orphanet 34521, MedGen C1863599, MONDO:0011362, OMIM 603689.

gnomAD v4.1: 4 of 1,613,786 alleles (0.00025%); highest among the groups gnomAD compares: East Asian, 0.0067%; no homozygotes.

Submission:

Juno Genomics, Hangzhou Juno Genomics, Inc
Classification: Uncertain significance for Hypertrophic cardiomyopathy 9; Myopathy, myofibrillar, 9, with early respiratory failure; Tibial muscular dystrophy; Early-onset myopathy with fatal cardiomyopathy; Dilated cardiomyopathy 1G; Autosomal recessive limb-girdle muscular dystrophy type 2J. Review status: criteria provided, single submitter. Criteria: ACMG Guidelines, 2015. Collection method: clinical testing. Allele origin: germline.
Comment: Absent from controls (or at extremely low frequency if recessive) in Genome Aggregation Database.;Multiple lines of computational evidence support a deleterious effect on the gene or gene product.;Missense variant in a gene that has a low rate of benign missense variation.